The following is an entry in ClinVar:

NM_001081.4(CUBN):c.3995A>G (p.Asn1332Ser)

Gene: CUBN (cubilin; minus strand). Cytogenetic location: 10p13.
Variant type: single nucleotide variant.
Coding change: c.3995A>G on transcript NM_001081.4 (MANE Select); coding-DNA position 3995, A replaced by G.
Protein change: p.Asn1332Ser; replaces asparagine 1332 with serine.
Molecular consequence: missense variant.
Genome position (GRCh38, 1-based): chr10:17,041,055, T>C on the plus strand (A>G on the coding strand, the complement: CUBN is on the minus strand). VCF-style: chr10-17041055-T-C. GRCh37 (hg19) VCF-style: chr10-17083054-T-C.
Other names: short protein forms N1332S.
Identifiers: ClinVar variation 299485 (VCV000299485.37), dbSNP rs370803308, ClinGen allele CA5424524.

ClinVar aggregate classification (germline): Uncertain significance. Review status: criteria provided, multiple submitters, no conflicts (2 of 4 stars). 6 submissions from 6 submitters: Uncertain significance (6). Last evaluated 2026-04-27.

Conditions:
Proteinuria, chronic benign. Identifiers: MedGen C5394384, MONDO:0030042, OMIM 618884.
Imerslund-Grasbeck syndrome type 1 (IGS1). Also called: MEGALOBLASTIC ANEMIA, 1; Imerslund-Gräsbeck syndrome 1; Megaloblastic anemia 1, Finnish type. Identifiers: MedGen C4016819, MONDO:0100156, OMIM 261100.
Inborn genetic diseases. Identifiers: MedGen C0950123, MeSH D030342.
Imerslund-Grasbeck syndrome. Also called: Megaloblastic anemia due to inborn errors of metabolism; Imerslund-Gräsbeck syndrome; ENTEROCYTE COBALAMIN MALABSORPTION; ENTEROCYTE INTRINSIC FACTOR RECEPTOR, DEFECT OF; PERNICIOUS ANEMIA, JUVENILE, DUE TO SELECTIVE INTESTINAL MALABSORPTION OF VITAMIN B12, WITH PROTEINURIA. Identifiers: Orphanet 35858, MedGen C4551825, MONDO:0009853.

Allele frequency attached by ClinVar (database versions not stated): ExAC 0.00011; gnomAD exomes 0.00012 and 0.00021; TOPMed 0.00013; gnomAD 0.00016 and 0.00017; ESP Exome Variant Server 0.00023.
gnomAD v4.1: 328 of 1,613,504 alleles (0.02%); highest among the groups gnomAD compares: Non-Finnish European, 0.025%; 1 homozygote.

Submissions (6):

Women's Health and Genetics/Laboratory Corporation of America, LabCorp
Classification: Uncertain significance. Last evaluated: 2026-04-27. Review status: criteria provided, single submitter. Criteria: LabCorp Variant Classification Summary - May 2015. Collection method: clinical testing. Allele origin: germline.
Comment: Variant summary: CUBN c.3995A>G (p.Asn1332Ser) results in a conservative amino acid change in the encoded protein sequence. Algorithms developed to predict the effect of missense changes on protein structure and function are either unavailable or do not agree on the potential impact of this missense change. The variant allele was found at a frequency of 0.00012 in 251190 control chromosomes. This frequency is not significantly higher than estimated for disease-causing variants in CUBN, allowing no conclusion about variant significance. To our knowledge, no occurrence of c.3995A>G in individuals affected with CUBN-related conditions and no experimental evidence demonstrating its impact on protein function have been reported. ClinVar contains an entry for this variant (Variation ID: 299485). Based on the evidence outlined above, the variant was classified as uncertain significance.

Fulgent Genetics
Classification: Uncertain significance for Imerslund-Grasbeck syndrome type 1; Proteinuria, chronic benign. Last evaluated: 2024-06-18. Review status: criteria provided, single submitter. Criteria: ACMG Guidelines, 2015. Collection method: clinical testing. Allele origin: germline.

Labcorp Genetics (formerly Invitae), Labcorp
Classification: Uncertain significance for Imerslund-Grasbeck syndrome. Last evaluated: 2024-01-24. Review status: criteria provided, single submitter. Criteria: Invitae Variant Classification Sherloc (09022015). Collection method: clinical testing. Allele origin: germline.
Comment: This sequence change replaces asparagine, which is neutral and polar, with serine, which is neutral and polar, at codon 1332 of the CUBN protein (p.Asn1332Ser). This variant is present in population databases (rs370803308, gnomAD 0.02%). This variant has not been reported in the literature in individuals affected with CUBN-related conditions. ClinVar contains an entry for this variant (Variation ID: 299485). Advanced modeling of protein sequence and biophysical properties (such as structural, functional, and spatial information, amino acid conservation, physicochemical variation, residue mobility, and thermodynamic stability) performed at Invitae indicates that this missense variant is not expected to disrupt CUBN protein function with a negative predictive value of 80%. In summary, the available evidence is currently insufficient to determine the role of this variant in disease. Therefore, it has been classified as a Variant of Uncertain Significance.

CeGaT Center for Human Genetics Tuebingen
Classification: Uncertain significance. Last evaluated: 2023-09-01. Review status: criteria provided, single submitter. Criteria: CeGaT Center For Human Genetics Tuebingen Variant Classification Criteria Version 2. Collection method: clinical testing. Allele origin: germline. Affected: yes. Observed: 1 variant allele.
Comment: CUBN: PM2:Supporting, BP4

Ambry Genetics
Classification: Uncertain significance for Inborn genetic diseases. Last evaluated: 2021-10-26. Review status: criteria provided, single submitter. Criteria: Ambry Variant Classification Scheme 2023. Collection method: clinical testing. Allele origin: germline.

Illumina Laboratory Services, Illumina
Classification: Uncertain significance for Imerslund-Grasbeck syndrome type 1. Last evaluated: 2018-01-13. Review status: criteria provided, single submitter. Criteria: ICSL Variant Classification Criteria 13 December 2019. Collection method: clinical testing. Allele origin: germline.